The following is an entry in ClinVar:

NM_000829.4(GRIA4):c.1943T>A (p.Val648Asp)

Gene: GRIA4 (glutamate ionotropic receptor AMPA type subunit 4; plus strand). Cytogenetic location: 11q22.3.
Variant type: single nucleotide variant.
Coding change: c.1943T>A on transcript NM_000829.4 (MANE Select); coding-DNA position 1943, T replaced by A.
Protein change: p.Val648Asp; replaces valine 648 with aspartic acid.
Molecular consequence: missense variant. On other transcripts: non-coding transcript variant (1), intron variant (2).
Genome position (GRCh38, 1-based): chr11:105,926,836, T>A. VCF-style: chr11-105926836-T-A. GRCh37 (hg19) VCF-style: chr11-105797562-T-A.
Other names: c.1943T>A, p.Val648Asp (NM_001077243.3, NM_001440382.1, NM_001440383.1 and 10 more transcripts); c.1922T>A, p.Val641Asp (NM_001440388.1, NM_001440389.1, NM_001440390.1); c.1736T>A, p.Val579Asp (NM_001440394.1); c.1455+7939T>A (NM_001440398.1); c.1158+21535T>A (NM_001440399.1); short protein forms V579D, V641D, V648D.
Identifiers: ClinVar variation 4885649 (VCV004885649.2).

ClinVar aggregate classification (germline): Uncertain significance (1 of 4 stars; one submission).

Submission:

Dasa
Classification: Uncertain significance. Last evaluated: 2026-04-20. Review status: criteria provided, single submitter. Criteria: DASA Assertion Criteria. Collection method: clinical testing. Allele origin: germline.
Comment: NM_000829.4(GRIA4):c.1943T>A (p.Val648Asp) is a missense variant that results in the substitution of valine with aspartic acid. This variant is absent from population databases. Computational prediction algorithms are consistent with a deleterious effect. The currently available literature and clinical evidence are not sufficient to establish a definitive association between this variant and the reported condition. Therefore, this variant is classified as a variant of uncertain significance.